The following is an entry in ClinVar:

NM_001127217.3(SMAD9):c.88del (p.Glu30fs)

Gene: SMAD9 (SMAD family member 9; minus strand). Cytogenetic location: 13q13.3.
Variant type: Deletion.
Coding change: c.88del on transcript NM_001127217.3 (MANE Select); coding-DNA position 88, one base deleted (G; older notation c.88delG).
Protein change: p.Glu30fs; shifts the reading frame from glutamic acid 30.
Molecular consequence: frameshift variant.
Genome position (GRCh38, 1-based): chr13:36,879,602, C deleted on the plus strand (G on the coding strand, the reverse complement: SMAD9 is on the minus strand). VCF-style (leftmost placement, unchanged base first): chr13-36879601-TC-T. GRCh37 (hg19) VCF-style: chr13-37453738-TC-T.
Other names: c.88del, p.Glu30fs (NM_001378621.1, NM_005905.6); short protein forms E30fs.
Identifiers: ClinVar variation 5005251 (VCV005005251.2).

ClinVar aggregate classification (germline): Likely pathogenic (1 of 4 stars; one submission).

Conditions:
Pulmonary hypertension, primary, 2. Identifiers: Orphanet 422, MedGen C3888002, MONDO:0014134, OMIM 615342.

Submission:

Juno Genomics, Hangzhou Juno Genomics, Inc
Classification: Likely pathogenic for Pulmonary hypertension, primary, 2. Review status: criteria provided, single submitter. Criteria: ACMG Guidelines, 2015. Collection method: clinical testing. Allele origin: germline.
Comment: Null variant in a gene where loss of function (LOF) is a known mechanism of disease.;Absent from controls (or at extremely low frequency if recessive) in Genome Aggregation Database.